The following is an entry in ClinVar:

ClinVar aggregate classification (germline): Benign/Likely benign. Review status: criteria provided, multiple submitters, no conflicts (2 of 4 stars). 14 submissions from 14 submitters: Benign (9); Likely benign (5). Last evaluated 2026-09-01.

Conditions:
Cardiovascular phenotype. Identifiers: MedGen CN230736.
Familial thoracic aortic aneurysm and aortic dissection (TAAD). Also called: Thoracic aortic aneurysms and dissections. Identifiers: Orphanet 91387, MedGen C4707243, MONDO:0019625.
Aortic aneurysm, familial thoracic 4 (AAT4). Also called: AORTIC ANEURYSM/AORTIC DISSECTION AND PATENT DUCTUS ARTERIOSUS. Identifiers: MedGen C1851504, MONDO:0007568, OMIM 132900.

Allele frequency attached by ClinVar (database versions not stated): gnomAD 0.00106 and 0.00128; TOPMed 0.00125; ESP Exome Variant Server 0.00154; gnomAD exomes 0.00159; ExAC 0.00194; 1000 Genomes Project 30x 0.00328; 1000 Genomes Project 0.00359.
gnomAD v4.1: 2,564 of 1,614,118 alleles (0.16%); highest among the groups gnomAD compares: South Asian, 0.5%; 9 homozygotes.

Submissions (14):

CeGaT Center for Human Genetics Tuebingen
Classification: Likely benign. Last evaluated: 2026-09-01. Review status: criteria provided, single submitter. Criteria: CeGaT Center For Human Genetics Tuebingen Variant Classification Criteria Version 2. Collection method: clinical testing. Allele origin: germline. Affected: yes. Observed: 32 variant alleles.
Comment: MYH11: BP4, BP7

Labcorp Genetics (formerly Invitae), Labcorp
Classification: Benign for Aortic aneurysm, familial thoracic 4. Last evaluated: 2026-02-01. Review status: criteria provided, single submitter. Criteria: Invitae Variant Classification Sherloc (09022015). Collection method: clinical testing. Allele origin: germline.

Molecular Diagnostic Laboratory for Inherited Cardiovascular Disease, Montreal Heart Institute
Classification: Benign. Last evaluated: 2025-04-09. Review status: criteria provided, single submitter. Criteria: ACMG Guidelines, 2015. Collection method: clinical testing. Allele origin: germline. Affected: no.
Comment: BS1;BP6;BP7

ARUP Laboratories, Molecular Genetics and Genomics, ARUP Laboratories
Classification: Benign. Last evaluated: 2025-01-31. Review status: criteria provided, single submitter. Criteria: ARUP Molecular Germline Variant Investigation Process 2024. Collection method: clinical testing. Allele origin: germline.

Blueprint Genetics
Classification: Likely benign. Last evaluated: 2024-11-07. Review status: criteria provided, single submitter. Criteria: ACMG Guidelines, 2015. Collection method: clinical testing. Allele origin: germline.

All of Us Research Program, National Institutes of Health
Classification: Benign for Familial thoracic aortic aneurysm and aortic dissection. Last evaluated: 2024-02-05. Review status: criteria provided, single submitter. Criteria: ACMG Guidelines, 2015. Collection method: clinical testing. Allele origin: germline. Inheritance: Autosomal dominant inheritance. Observed: 345 variant alleles, 343 heterozygotes, 2 homozygotes.
Comment: This study involves interpretation of variants in research participants for the purpose of population health screening. Participant phenotype was not available at the time of variant classification. Additional details can be found in publication PMID: 35346344, PMCID: PMC8962531

Color Diagnostics, LLC DBA Color Health
Classification: Benign for Familial thoracic aortic aneurysm and aortic dissection. Last evaluated: 2018-03-07. Review status: criteria provided, single submitter. Criteria: ACMG Guidelines, 2015. Collection method: clinical testing. Allele origin: germline.

Illumina Laboratory Services, Illumina
Classification: Likely benign for Aortic aneurysm, familial thoracic 4. Last evaluated: 2018-01-13. Review status: criteria provided, single submitter. Criteria: ICSL Variant Classification Criteria 13 December 2019. Collection method: clinical testing. Allele origin: germline.
Comment: This variant was observed in the ICSL laboratory as part of a predisposition screen in an ostensibly healthy population. It had not been previously curated by ICSL or reported in the Human Gene Mutation Database (HGMD: prior to June 1st, 2018), and was therefore a candidate for classification through an automated scoring system. Utilizing variant allele frequency, disease prevalence and penetrance estimates, and inheritance mode, an automated score was calculated to assess if this variant is too frequent to cause the disease. Based on the score and internal cut-off values, a variant classified as likely benign is not then subjected to further curation. The score for this variant resulted in a classification of likely benign for this disease.

Women's Health and Genetics/Laboratory Corporation of America, LabCorp
Classification: Benign. Last evaluated: 2016-12-05. Review status: criteria provided, single submitter. Criteria: LabCorp Variant Classification Summary - May 2015. Collection method: clinical testing. Allele origin: germline.
Comment: Variant summary: The MYH11 c.291C>T (p.Asn97Asn) variant involves the alteration of a non-conserved nucleotide, resulting in a synonymous change. Mutation taster predicts a damaging outcome for this substitution while 5/5 splice prediction tools predict the variant not to impact normal splicing. This variant was found in 235/121412 control chromosomes, predominantly observed in the South Asian subpopulation at a frequency of 0.0050872 (84/16512). This frequency greatly exceeds the estimated maximal expected allele frequency of a pathogenic MYH11 variant (0.0000013), suggesting this is likely a benign polymorphism found primarily in the populations of South Asian origin. The variant of interest has not, to our knowledge, been reported in affected individuals with strong evidence for causality; nor evaluated for functional impact by in vivo/vitro studies. Multiple clinical diagnostic laboratories classified this variant as benign. Considering the high prevalence of the variant in the general population, it was classified as benign.

CHEO Genetics Diagnostic Laboratory, Children's Hospital of Eastern Ontario
Classification: Benign for Familial thoracic aortic aneurysm and aortic dissection. Last evaluated: 2016-06-23. Review status: criteria provided, single submitter. Criteria: ACMG Guidelines, 2015. Collection method: clinical testing. Allele origin: germline. Study: Canadian Open Genetics Repository.

Mayo Clinic Laboratories, Mayo Clinic
Classification: Benign. Last evaluated: 2016-02-09. Review status: criteria provided, single submitter. Criteria: ACMG Guidelines, 2015. Collection method: clinical testing. Allele origin: germline. Observed: 2 variant alleles.

Ambry Genetics
Classification: Likely benign for Cardiovascular phenotype. Last evaluated: 2016-02-04. Review status: criteria provided, single submitter. Criteria: Ambry Autosomal Dominant and X-Linked criteria (10/2015). Collection method: clinical testing. Allele origin: germline. Observed: 1 variant allele.

GeneDx
Classification: Benign. Last evaluated: 2013-05-29. Review status: criteria provided, single submitter. Criteria: GeneDx Variant Classification (06012015). Collection method: clinical testing. Allele origin: germline. Affected: yes.
Comment: This variant is considered likely benign or benign based on one or more of the following criteria: it is a conservative change, it occurs at a poorly conserved position in the protein, it is predicted to be benign by multiple in silico algorithms, and/or has population frequency not consistent with disease.

Breakthrough Genomics
Classification: Likely benign. Review status: criteria provided, single submitter. Criteria: ACMG Guidelines, 2015. Collection method: not provided. Allele origin: germline. Inheritance: Autosomal recessive inheritance. Affected: yes.

NM_002474.3(MYH11):c.291C>T (p.Asn97=)

Gene: MYH11 (myosin heavy chain 11; minus strand). Cytogenetic location: 16p13.11.
Variant type: single nucleotide variant.
Coding change: c.291C>T on transcript NM_002474.3 (MANE Select); coding-DNA position 291, C replaced by T.
Protein change: p.Asn97=; no amino-acid change (asparagine 97 retained).
Molecular consequence: synonymous variant.
Genome position (GRCh38, 1-based): chr16:15,837,962, G>A on the plus strand (C>T on the coding strand, the complement: MYH11 is on the minus strand). VCF-style: chr16-15837962-G-A. GRCh37 (hg19) VCF-style: chr16-15931819-G-A.
Other names: p.N97N:AAC>AAT; p.Asn97=; c.291C>T, p.Asn97= (NM_001040113.2, NM_001040114.2, NM_022844.3).
Identifiers: ClinVar variation 138364 (VCV000138364.70), dbSNP rs113363750, ClinGen allele CA292348.
Genomic context (GRCh38, chr16:15,837,962, plus strand): 5'-ACTCACATATATTAGCCCTGAGAAGTACCGCTCCCTCAGGTTGTGTAGCACGGAGGCTTC[G>A]TTGAGGCACGTCAGCTCCGCCATGTCCTCCACCTTGGAGAACTTGGGTGGGTTCATCTTC-3'
Protein context (NP_002465.1, residues 87-107): VEDMAELTCL[Asn97=]EASVLHNLRE